The following is an entry in ClinVar:

ClinVar aggregate classification (germline): Pathogenic. Review status: criteria provided, multiple submitters, no conflicts (2 of 4 stars). 3 submissions from 3 submitters: Pathogenic (3). Last evaluated 2024-10-08.

Conditions:
Pontoneocerebellar hypoplasia. Also called: Pontocerebellar hypoplasia; Non-syndromic pontocerebellar hypoplasia. Identifiers: MONDO:0020135, Orphanet 98523, MedGen C1261175.
Pontocerebellar hypoplasia type 6 (PCH6). Identifiers: Orphanet 166073, MedGen C1969084, MONDO:0012683, OMIM 611523.

Submissions (3):

Natera, Inc.
Classification: Pathogenic for Pontocerebellar hypoplasia, type 6. Last evaluated: 2024-10-08. Review status: criteria provided, single submitter. Criteria: Natera Variant Classification Schema (03/2026). Collection method: clinical testing. Allele origin: germline.
Comment: The c.3G>A variant in RARS2 is predicted to result in start loss due to disruption of the initiator methionine. This variant is expected to result in nonsense mediated decay, truncation, or a dysfunctional protein product. This variant is rare in the general population with a frequency below the threshold expected for the associated phenotype(s). This variant has been observed in one or more individuals affected with the associated recessive disease, as either homozygous or compound heterozygous with a second variant (PMID: 33798445). Given the available evidence, this variant is classified as Pathogenic.

Labcorp Genetics (formerly Invitae), Labcorp
Classification: Pathogenic. Last evaluated: 2023-08-28. Review status: criteria provided, single submitter. Criteria: Invitae Variant Classification Sherloc (09022015). Collection method: clinical testing. Allele origin: germline.
Comment: This sequence change affects the initiator methionine of the RARS2 mRNA. The next in-frame methionine is located at codon 176. For these reasons, this variant has been classified as Pathogenic. This variant disrupts a region of the RARS2 protein in which other variant(s) (p.Gln12Arg) have been determined to be pathogenic (PMID: 20635367, 20952379, 22569581). This suggests that this is a clinically significant region of the protein, and that variants that disrupt it are likely to be disease-causing. ClinVar contains an entry for this variant (Variation ID: 1070705). Disruption of the initiator codon has been observed in individual(s) with pontocerebellar hypoplasia (PMID: 26083569). It has also been observed to segregate with disease in related individuals. This variant is not present in population databases (gnomAD no frequency).

Women's Health and Genetics/Laboratory Corporation of America, LabCorp
Classification: Pathogenic for Pontoneocerebellar hypoplasia. Last evaluated: 2021-11-16. Review status: criteria provided, single submitter. Criteria: LabCorp Variant Classification Summary - May 2015. Collection method: clinical testing. Allele origin: germline.
Comment: Variant summary: RARS2 c.3G>A (p.Met1Ile) alters the initiation codon and an alternative downstream in-frame start codon (Met176) is located in exon 7 of the encoded protein. It is predicted to result either in absence of the protein or truncation of the encoded protein due to translation initiation at a downstream codon. Two of four in-silico tools predict a benign effect of the variant on protein function. The variant was absent in 250948 control chromosomes (gnomAD). c.3G>A has been reported in the literature in at least one individual affected with prominent progressive action myoclonus (Courage_2021). Additionally, different variants (c.1A>T, c.1A>G) with disruption of this start codon were found in patients affected with Pontocerebellar hypoplasia (Lax_2015, Farwell_2015, Hou_2020, Bertoli-Avella_2021) and classified as pathogenic in ClinVar database. These data indicate that the variant is likely to be associated with disease. To our knowledge, no experimental evidence demonstrating an impact on protein function has been reported. One ClinVar submitter (evaluation after 2014) cites the variant as pathogenic. Based on the evidence outlined above, the variant was classified as pathogenic.

Literature cited by the submitters: PubMed 33798445 (cited by Natera, Inc. and Women's Health and Genetics/Laboratory Corporation of America, LabCorp); PubMed 20635367 (cited by Labcorp Genetics (formerly Invitae), Labcorp); PubMed 20952379 (cited by Labcorp Genetics (formerly Invitae), Labcorp); PubMed 22569581 (cited by Labcorp Genetics (formerly Invitae), Labcorp); PubMed 26083569 (cited by Labcorp Genetics (formerly Invitae), Labcorp and Women's Health and Genetics/Laboratory Corporation of America, LabCorp); PubMed 26795593 (cited by Women's Health and Genetics/Laboratory Corporation of America, LabCorp); PubMed 25356970 (cited by Women's Health and Genetics/Laboratory Corporation of America, LabCorp); PubMed 31980526 (cited by Women's Health and Genetics/Laboratory Corporation of America, LabCorp); PubMed 32860008 (cited by Women's Health and Genetics/Laboratory Corporation of America, LabCorp).

NM_020320.5(RARS2):c.3G>A (p.Met1Ile)

Gene: RARS2 (arginyl-tRNA synthetase 2, mitochondrial; minus strand). Cytogenetic location: 6q15.
Variant type: single nucleotide variant.
Coding change: c.3G>A on transcript NM_020320.5 (MANE Select); coding-DNA position 3, G replaced by A.
Protein change: p.Met1Ile; changes the start codon (methionine 1).
Molecular consequence: missense variant, initiator codon variant. On other transcripts: 5 prime UTR variant (7), non-coding transcript variant (23).
Genome position (GRCh38, 1-based): chr6:87,589,955, C>T on the plus strand (G>A on the coding strand, the complement: RARS2 is on the minus strand). VCF-style: chr6-87589955-C-T. GRCh37 (hg19) VCF-style: chr6-88299673-C-T.
Other names: c.-688G>A (NM_001318785.2); c.3G>A, p.Met1Ile (NM_001350505.2); c.-744G>A (NM_001350506.2, NM_001350510.2); c.-867G>A (NM_001350507.2); c.-906G>A (NM_001350508.2); c.-614G>A (NM_001350509.2); c.-863G>A (NM_001350511.2); short protein forms M1I.
Identifiers: ClinVar variation 1070705 (VCV001070705.11), dbSNP rs2128238503, ClinGen allele CA364919920.
Genomic context (GRCh38, chr6:87,589,955, plus strand): 5'-CTCCTCTGCGCGCTCCGGGATCCATACCTGGCAAGCAATAGCGCGGCGAAAGCCGCACGC[C>T]ATGTCCACCTCTACGGAAGTGCGCCGCAGTCCGCCAGTTCCGGCCTCGCCCCACCTCCTT-3'
Protein context (NP_064716.2, residues 1-11): [Met1Ile]ACGFRRAIAC